The following is an entry in ClinVar:

ClinVar aggregate classification (germline): Likely pathogenic (1 of 4 stars; one submission).

Conditions:
Rhabdoid tumor predisposition syndrome 2 (RTPS2). Identifiers: Orphanet 231108, Orphanet 69077, MedGen C2750074, MONDO:0013224, OMIM 613325.

Submissions (2):

Labcorp Genetics (formerly Invitae), Labcorp
Classification: Likely pathogenic for Rhabdoid tumor predisposition syndrome 2. Last evaluated: 2020-11-22. Review status: criteria provided, single submitter. Criteria: Invitae Variant Classification Sherloc (09022015). Collection method: clinical testing. Allele origin: germline.
Comment: This sequence change affects an acceptor splice site in intron 18 of the SMARCA4 gene. It is expected to disrupt RNA splicing. Variants that disrupt the donor or acceptor splice site typically lead to a loss of protein function (PMID: 16199547), and loss-of-function variants in SMARCA4 are known to be pathogenic (PMID: 24658001, 24658002). This variant is not present in population databases (ExAC no frequency). This variant has not been reported in the literature in individuals with SMARCA4-related conditions. ClinVar contains an entry for this variant (Variation ID: 635378). Algorithms developed to predict the effect of sequence changes on RNA splicing suggest that this variant may disrupt the consensus splice site, but this prediction has not been confirmed by published transcriptional studies. In summary, the currently available evidence indicates that the variant is pathogenic, but additional data are needed to prove that conclusively. Therefore, this variant has been classified as Likely Pathogenic.

MutSpliceDB: a database of splice sites variants effects on splicing, NIH
No classification provided (evidence only). Review status: no classification provided. Collection method: in vitro. Allele origin: not applicable. Functional consequence: retained intron. Not counted in ClinVar's aggregate classification.

Literature cited by the submitters: PubMed 16199547 (cited by Labcorp Genetics (formerly Invitae), Labcorp); PubMed 24658001 (cited by Labcorp Genetics (formerly Invitae), Labcorp); PubMed 24658002 (cited by Labcorp Genetics (formerly Invitae), Labcorp).

NM_003072.5(SMARCA4):c.2617-1G>A

Gene: SMARCA4 (SWI/SNF related BAF chromatin remodeling complex subunit ATPase 4; plus strand). Cytogenetic location: 19p13.2.
Variant type: single nucleotide variant.
Coding change: c.2617-1G>A on transcript NM_003072.5 (MANE Select); the canonical splice acceptor site of the intron before coding-DNA position 2617, G replaced by A.
Molecular consequence: splice acceptor variant.
Genome position (GRCh38, 1-based): chr19:11,021,724, G>A. VCF-style: chr19-11021724-G-A. GRCh37 (hg19) VCF-style: chr19-11132400-G-A.
Other names: c.2617-1G>A (NM_001128844.3, NM_001128849.3, NM_001128847.4 and 6 more transcripts).
Identifiers: ClinVar variation 635378 (VCV000635378.12), dbSNP rs1600277713, ClinGen allele CA404055473.